The following is an entry in ClinVar:

NM_206933.4(USH2A):c.15074G>C (p.Gly5025Ala)

Gene: USH2A (usherin; minus strand). Cytogenetic location: 1q41.
Variant type: single nucleotide variant.
Coding change: c.15074G>C on transcript NM_206933.4 (MANE Select); coding-DNA position 15074, G replaced by C.
Protein change: p.Gly5025Ala; replaces glycine 5025 with alanine.
Molecular consequence: missense variant.
Genome position (GRCh38, 1-based): chr1:215,634,682, C>G on the plus strand (G>C on the coding strand, the complement: USH2A is on the minus strand). VCF-style: chr1-215634682-C-G. GRCh37 (hg19) VCF-style: chr1-215808024-C-G.
Other names: short protein forms G5025A.
Identifiers: ClinVar variation 1473671 (VCV001473671.5), dbSNP rs756803628, ClinGen allele CA1392800.

ClinVar aggregate classification (germline): Uncertain significance (1 of 4 stars; one submission).

Allele frequency attached by ClinVar (database versions not stated): gnomAD exomes 0.00001; ExAC 0.00002; TOPMed below 0.00001; gnomAD 0.00001.
gnomAD v4.1: 4 of 1,614,074 alleles (0.00025%); highest among the groups gnomAD compares: Non-Finnish European, 0.00034%; no homozygotes.

Submission:

Labcorp Genetics (formerly Invitae), Labcorp
Classification: Uncertain significance. Last evaluated: 2022-10-17. Review status: criteria provided, single submitter. Criteria: Invitae Variant Classification Sherloc (09022015). Collection method: clinical testing. Allele origin: germline.
Comment: This sequence change replaces glycine, which is neutral and non-polar, with alanine, which is neutral and non-polar, at codon 5025 of the USH2A protein (p.Gly5025Ala). This variant is present in population databases (rs756803628, gnomAD 0.002%). This variant has not been reported in the literature in individuals affected with USH2A-related conditions. ClinVar contains an entry for this variant (Variation ID: 1473671). Advanced modeling of protein sequence and biophysical properties (such as structural, functional, and spatial information, amino acid conservation, physicochemical variation, residue mobility, and thermodynamic stability) performed at Invitae indicates that this missense variant is not expected to disrupt USH2A protein function. In summary, the available evidence is currently insufficient to determine the role of this variant in disease. Therefore, it has been classified as a Variant of Uncertain Significance.